The following is an entry in ClinVar:

NM_000038.6(APC):c.7406C>A (p.Ser2469Tyr)

Gene: APC (APC regulator of Wnt signaling pathway; plus strand). Cytogenetic location: 5q22.2.
Variant type: single nucleotide variant.
Coding change: c.7406C>A on transcript NM_000038.6 (MANE Select); coding-DNA position 7406, C replaced by A.
Protein change: p.Ser2469Tyr; replaces serine 2469 with tyrosine.
Molecular consequence: missense variant. On other transcripts: non-coding transcript variant (2).
Genome position (GRCh38, 1-based): chr5:112,843,000, C>A. VCF-style: chr5-112843000-C-A. GRCh37 (hg19) VCF-style: chr5-112178697-C-A.
Other names: c.7406C>A, p.Ser2469Tyr (NM_001127510.3, NM_001354895.2, NM_001407450.1); c.7352C>A, p.Ser2451Tyr (NM_001127511.3); c.7460C>A, p.Ser2487Tyr (NM_001354896.2, NM_001407447.1, NM_001407448.1 and 1 more transcripts); c.7436C>A, p.Ser2479Tyr (NM_001354897.2); c.7331C>A, p.Ser2444Tyr (NM_001354898.2); c.7322C>A, p.Ser2441Tyr (NM_001354899.2); c.7283C>A, p.Ser2428Tyr (NM_001354900.2); c.7229C>A, p.Ser2410Tyr (NM_001354901.2, NM_001407453.1); and 11 more; short protein forms S2340Y, S2368Y, S2378Y, S2444Y, S2451Y, S2462Y, S2309Y, S2386Y.
Identifiers: ClinVar variation 2562371 (VCV002562371.2), dbSNP rs1561615265, ClinGen allele CA16037452.

ClinVar aggregate classification (germline): Uncertain significance (1 of 4 stars; one submission).

Conditions:
Hereditary cancer-predisposing syndrome. Also called: Neoplastic Syndromes, Hereditary; Hereditary Cancer Syndrome; Hereditary neoplastic syndrome; Tumor predisposition. Identifiers: Orphanet 140162, MedGen C0027672, MeSH D009386, MONDO:0015356.

Submission:

Ambry Genetics
Classification: Uncertain significance for Hereditary cancer-predisposing syndrome. Last evaluated: 2023-05-09. Review status: criteria provided, single submitter. Criteria: Ambry Variant Classification Scheme 2023. Collection method: clinical testing. Allele origin: germline.
Comment: The p.S2469Y variant (also known as c.7406C>A), located in coding exon 15 of the APC gene, results from a C to A substitution at nucleotide position 7406. The serine at codon 2469 is replaced by tyrosine, an amino acid with dissimilar properties. This amino acid position is conserved. In addition, in silico predictors for this gene do not accurately predict pathogenicity. Since supporting evidence is limited at this time, the clinical significance of this alteration remains unclear.